The following is an entry in ClinVar:

ClinVar aggregate classification (germline): Pathogenic (1 of 4 stars; one submission).

Conditions:
Anauxetic dysplasia. Identifiers: Orphanet 93347, MedGen C1846796, MONDO:0011773.

Submission:

Labcorp Genetics (formerly Invitae), Labcorp
Classification: Pathogenic for Anauxetic dysplasia. Last evaluated: 2023-02-02. Review status: criteria provided, single submitter. Criteria: Invitae Variant Classification Sherloc (09022015). Collection method: clinical testing. Allele origin: germline.
Comment: For these reasons, this variant has been classified as Pathogenic. Algorithms developed to predict the effect of sequence changes on RNA splicing suggest that this variant may disrupt the consensus splice site. While functional studies for this variant have not been reported, experimental analyses using patient derived cells, as well as in vitro transfection studies, have shown that promoter insertions result in silencing of RMRP transcription and reduced expression of the gene product (PMID: 11207361, 16254002). ClinVar contains an entry for this variant (Variation ID: 1453977). While this particular variant has not been reported in the literature, it is located in the promoter region between the TATA box and the transcription initiation site, and other insertions and duplications immediately upstream of the coding sequence have been reported in individuals affected with cartilage-hair hypoplasia-anauxetic dysplasia (CHH-AD) spectrum disorders (PMID: 16244706, 11207361, 12107819). This variant is not present in population databases (gnomAD no frequency). This variant occurs in the RMRP gene, which encodes an RNA molecule that does not result in a protein product.

Literature cited by the submitters: PubMed 11207361; PubMed 16254002; PubMed 16244706; PubMed 12107819.

NC_000009.12:g.35658022_35658023insTCTCAGCTTCACAGACACGT

Gene: RMRP (RNA component of mitochondrial RNA processing endoribonuclease; minus strand). Cytogenetic location: 9p13.3.
Variant type: Insertion.
Genome position: GRCh38 VCF-style: chr9-35658017-C-CCACGTTCTCAGCTTCACAGA. GRCh37 (hg19) VCF-style: chr9-35658014-C-CCACGTTCTCAGCTTCACAGA.
Identifiers: ClinVar variation 1453977 (VCV001453977.4), dbSNP rs1554651368, ClinGen allele CA918446894.